The following is an entry in ClinVar:

ClinVar aggregate classification (germline): Uncertain significance. Review status: criteria provided, multiple submitters, no conflicts (2 of 4 stars). 2 submissions from 2 submitters: Uncertain significance (2). Last evaluated 2026-01-26.

Conditions:
Brugada syndrome. Also called: Sudden unexplained nocturnal death syndrome; Sudden Unexplained Death Syndrome; Sudden Unexplained Nocturnal Death Syndrome (SUNDS); Sudden unexpected nocturnal death syndrome. Identifiers: Orphanet 130, MedGen C1142166, MONDO:0015263.
Cardiovascular phenotype. Identifiers: MedGen CN230736.

Allele frequency attached by ClinVar (database versions not stated): gnomAD 0.00001; gnomAD exomes 0.00001.
gnomAD v4.1: 5 of 1,614,060 alleles (0.00031%); highest among the groups gnomAD compares: African/African-American, 0.0067%; no homozygotes.

Submissions (2):

Labcorp Genetics (formerly Invitae), Labcorp
Classification: Uncertain significance for Brugada syndrome. Last evaluated: 2026-01-26. Review status: criteria provided, single submitter. Criteria: Invitae Variant Classification Sherloc (09022015). Collection method: clinical testing. Allele origin: germline.
Comment: This sequence change replaces phenylalanine, which is neutral and non-polar, with leucine, which is neutral and non-polar, at codon 1223 of the SCN10A protein (p.Phe1223Leu). This variant is present in population databases (no rsID available, gnomAD 0.02%). This variant has not been reported in the literature in individuals affected with SCN10A-related conditions. ClinVar contains an entry for this variant (Variation ID: 532113). Invitae Evidence Modeling of protein sequence and biophysical properties (such as structural, functional, and spatial information, amino acid conservation, physicochemical variation, residue mobility, and thermodynamic stability) indicates that this missense variant is expected to disrupt SCN10A protein function with a positive predictive value of 80%. In summary, the available evidence is currently insufficient to determine the role of this variant in disease. Therefore, it has been classified as a Variant of Uncertain Significance.

Ambry Genetics
Classification: Uncertain significance for Cardiovascular phenotype. Last evaluated: 2022-11-15. Review status: criteria provided, single submitter. Criteria: Ambry Variant Classification Scheme 2023. Collection method: clinical testing. Allele origin: germline.
Comment: The p.F1223L variant (also known as c.3667T>C), located in coding exon 20 of the SCN10A gene, results from a T to C substitution at nucleotide position 3667. The phenylalanine at codon 1223 is replaced by leucine, an amino acid with highly similar properties. This amino acid position is conserved. In addition, this alteration is predicted to be deleterious by in silico analysis. Since supporting evidence is limited at this time, the clinical significance of this alteration remains unclear.

NM_006514.4(SCN10A):c.3667T>C (p.Phe1223Leu)

Gene: SCN10A (sodium voltage-gated channel alpha subunit 10; minus strand). Cytogenetic location: 3p22.2.
Variant type: single nucleotide variant.
Coding change: c.3667T>C on transcript NM_006514.4 (MANE Select); coding-DNA position 3667, T replaced by C.
Protein change: p.Phe1223Leu; replaces phenylalanine 1223 with leucine.
Molecular consequence: missense variant.
Genome position (GRCh38, 1-based): chr3:38,718,667, A>G on the plus strand (T>C on the coding strand, the complement: SCN10A is on the minus strand). VCF-style: chr3-38718667-A-G. GRCh37 (hg19) VCF-style: chr3-38760158-A-G.
Other names: c.3664T>C, p.Phe1222Leu (NM_001293306.2); c.3373T>C, p.Phe1125Leu (NM_001293307.2); c.3667T>C (NM_006514.2); short protein forms F1223L, F1125L, F1222L.
Identifiers: ClinVar variation 532113 (VCV000532113.7), dbSNP rs1334180362, ClinGen allele CA352152758.